The following is an entry in ClinVar:

ClinVar aggregate classification (germline): Likely benign. Review status: criteria provided, single submitter (1 of 4 stars). 2 submissions from 2 submitters: Likely benign (1). 1 of the submissions does not count toward it. Last evaluated 2021-06-22.

Conditions:
NF1-related disorder. Also called: NF1-related condition. Identifiers: MedGen CN379171.

Allele frequency attached by ClinVar (database versions not stated): TOPMed 0.00022.

Submissions (2):

Blueprint Genetics
Classification: Likely benign. Last evaluated: 2021-06-22. Review status: criteria provided, single submitter. Criteria: ACMG Guidelines, 2015. Collection method: clinical testing. Allele origin: germline.

PreventionGenetics, part of Exact Sciences
Classification: Likely benign for NF1-related condition. Last evaluated: 2020-02-28. Review status: no assertion criteria provided. Collection method: clinical testing. Allele origin: germline. Not counted in ClinVar's aggregate classification.
Comment: This variant is classified as likely benign based on ACMG/AMP sequence variant interpretation guidelines (Richards et al. 2015 PMID: 25741868, with internal and published modifications).

NM_001042492.3(NF1):c.61-7497_61-7496dup

Gene: NF1 (neurofibromin 1; plus strand). Cytogenetic location: 17q11.2.
Variant type: Duplication.
Coding change: c.61-7497_61-7496dup on transcript NM_001042492.3 (MANE Select); 7497 bases into the intron before coding-DNA position 61 through 7496 bases into the intron before coding-DNA position 61, 2 bases duplicated (AA; older notation c.61-7497_61-7496dupAA).
Molecular consequence: intron variant.
Genome position (GRCh38, 1-based): chr17:31,148,486-31,148,487, AA duplicated. VCF-style (leftmost placement, unchanged base first): chr17-31148485-C-CAA. GRCh37 (hg19) VCF-style: chr17-29475503-C-CAA.
Other names: c.61-7497_61-7496dup (NM_000267.4, NM_001128147.3).
Identifiers: ClinVar variation 3039104 (VCV003039104.3), dbSNP rs1176252325, ClinGen allele CA728011777.